The following is an entry in ClinVar:

ClinVar aggregate classification (germline): Pathogenic. Review status: reviewed by expert panel (3 of 4 stars). 5 submissions from 5 submitters: Pathogenic (1). 4 of the submissions do not count toward it. Last evaluated 2021-08-19.

Conditions:
Glycogen storage disease, type II (IOPD). Also called: CARDIOMEGALIA GLYCOGENICA DIFFUSA; Glycogen storage disease type 2; Acid maltase deficiency disease; Aglucosidase alfa; Deficiency of alpha-glucosidase; Deficiency of lysosomal alpha-glucosidase. Identifiers: Orphanet 365, MedGen C0017921, MONDO:0009290, OMIM 232300.

Allele frequency attached by ClinVar (database versions not stated): gnomAD 0.00001.

Submissions (5):

ClinGen Lysosomal Storage Disorder Variant Curation Expert Panel
Classification: Pathogenic for Glycogen storage disease, type II. Last evaluated: 2021-08-19. Review status: reviewed by expert panel. Criteria: clingen_lsd_acmg_specifications_v2-1. Collection method: curation. Allele origin: germline. Inheritance: Autosomal recessive inheritance.
Comment: NM_000152.5:c.365del (p.Met122ArgfsTer20) variant in GAA is a frameshift variant predicted to cause a premature stop codon in biologically-relevant-exon 2/20, leading to nonsense mediated decay in a gene in which loss-of-function is an established disease mechanism (PVS1). One patient with late onset Pompe disease has been reported with documentation of laboratory values showing GAA deficiency (~7% lower limit of normal) in cultured fibroblasts (2 points) and who is on enzyme replacement therapy (1 point)(PMID: 20638881). (Total 3 points, PP4_Moderate). This patient is compound heterozygous, with unknown phase, for the variant and a pathogenic variant in GAA, c.-32-13T>G (0.5 points, PM3_Supporting). The variant is absent in gnomAD v2.1.1 (PM2_Supporting). There is a ClinVar entry for this variant (Variation ID: 189059, two star review status) with two submitters classifying the variant as pathogenic and one as likely pathogenic. In summary, this variant meets the criteria to be classified as pathogenic for Pompe disease. GAA-specific ACMG/AMP criteria met, as specified by the ClinGen LSD VCEP (Specification Version 2.0): PVS1, PP4_Moderate, PM3_Supporting, PM2_Supporting.

Genomenon, Inc
Classification: Pathogenic for Glycogen storage disease, type II. Last evaluated: 2026-07-01. Review status: criteria provided, single submitter. Criteria: Genomenon Sequence Variant Interpretation Standards - Updated. Collection method: curation. Allele origin: germline. Affected: yes. Not counted in ClinVar's aggregate classification.
Comment: GAA p.Met122ArgfsTer20 (c.365del) is a frameshift variant that is predicted to introduce a premature termination codon and result in a truncated or absent protein product. This variant has been observed in at least one proband with a GAA-related disorder (PMID:20638881). It is absent or not present at a significant frequency in gnomAD. In conclusion, we classify GAA p.Met122ArgfsTer20 (c.365del) as a pathogenic variant.

Labcorp Genetics (formerly Invitae), Labcorp
Classification: Pathogenic for Glycogen storage disease, type II. Last evaluated: 2025-11-28. Review status: criteria provided, single submitter. Criteria: Invitae Variant Classification Sherloc (09022015). Collection method: clinical testing. Allele origin: germline. Not counted in ClinVar's aggregate classification.
Comment: This sequence change creates a premature translational stop signal (p.Met122Argfs*20) in the GAA gene. It is expected to result in an absent or disrupted protein product. Loss-of-function variants in GAA are known to be pathogenic (PMID: 18425781, 22252923). This variant is not present in population databases (gnomAD no frequency). This premature translational stop signal has been observed in individual(s) with severe, later onset Pompe disease (PMID: 20638881). ClinVar contains an entry for this variant (Variation ID: 189059). For these reasons, this variant has been classified as Pathogenic.

Women's Health and Genetics/Laboratory Corporation of America, LabCorp
Classification: Pathogenic for Glycogen storage disease, type II. Last evaluated: 2020-09-25. Review status: criteria provided, single submitter. Criteria: LabCorp Variant Classification Summary - May 2015. Collection method: clinical testing. Allele origin: germline. Not counted in ClinVar's aggregate classification.
Comment: Variant summary: GAA c.365delT (p.Met122ArgfsX20) results in a premature termination codon, predicted to cause a truncation of the encoded protein or absence of the protein due to nonsense mediated decay, which are commonly known mechanisms for disease. Truncations downstream of this position have been classified as pathogenic by our laboratory. The variant was absent in 247798 control chromosomes (gnomAD v2). c.365delT has been reported in the literature in a compound heterozygous individual who was affected with the late onset form of Glycogen Storage Disease, Type 2 (Pompe Disease), where the other variant found in trans was the common disease variant, c.-32-13T>G, that is associated with the late-onset form of the disorder (Bernstein_2010). This publication also reported that the enzyme activity measured in patient derived cultured fibroblasts was about 5-7% of the normal (Bernstein_2010). One clinical diagnostic laboratory has submitted clinical-significance assessments for this variant to ClinVar after 2014, and classified the variant as pathogenic. Based on the evidence outlined above, the variant was classified as pathogenic.

Counsyl
Classification: Likely pathogenic for Glycogen storage disease, type II. Last evaluated: 2014-11-13. Review status: no assertion criteria provided. Collection method: literature only. Allele origin: unknown. Inheritance: Autosomal recessive inheritance. Not counted in ClinVar's aggregate classification.

Literature cited by the submitters: PubMed 20638881 (cited by 4 submitters); PubMed 18425781 (cited by Labcorp Genetics (formerly Invitae), Labcorp); PubMed 22252923 (cited by Labcorp Genetics (formerly Invitae), Labcorp).

NM_000152.5(GAA):c.365del (p.Met122fs)

Gene: GAA (alpha glucosidase; plus strand). Cytogenetic location: 17q25.3.
Variant type: Deletion.
Coding change: c.365del on transcript NM_000152.5 (MANE Select); coding-DNA position 365, one base deleted (T; older notation c.365delT).
Protein change: p.Met122fs; shifts the reading frame from methionine 122.
Molecular consequence: frameshift variant.
Genome position (GRCh38, 1-based): chr17:80,104,951, T deleted. VCF-style (leftmost placement, unchanged base first): chr17-80104950-AT-A. GRCh37 (hg19) VCF-style: chr17-78078749-AT-A.
Other names: NM_000152.5(GAA):c.365del; p.Met122fs; c.365del (LRG_673t1, NM_000152.3); c.365del, p.Met122fs (NM_001079803.3, NM_001079804.3); short protein forms M122fs.
Identifiers: ClinVar variation 189059 (VCV000189059.20), dbSNP rs786204661, ClinGen allele CA274330.